The following is an entry in ClinVar:

ClinVar aggregate classification (germline): Uncertain significance (1 of 4 stars; one submission).

Allele frequency attached by ClinVar (database versions not stated): gnomAD exomes below 0.00001.
gnomAD v4.1: 1 of 1,607,212 alleles (0.000062%); highest among the groups gnomAD compares: Non-Finnish European, 0.000085%; no homozygotes.

Submission:

GeneDx
Classification: Uncertain significance. Last evaluated: 2022-06-16. Review status: criteria provided, single submitter. Criteria: GeneDx Variant Classification Process June 2021. Collection method: clinical testing. Allele origin: germline. Affected: yes.
Comment: Not observed at significant frequency in large population cohorts (gnomAD); Has not been previously published as pathogenic or benign to our knowledge; In-silico analysis is inconclusive as to whether the variant alters gene splicing. In the absence of RNA/functional studies, the actual effect of this sequence change is unknown.

NM_005269.3(GLI1):c.534G>A (p.Gln178=)

Gene: GLI1 (GLI family zinc finger 1; plus strand). Cytogenetic location: 12q13.3.
Variant type: single nucleotide variant.
Coding change: c.534G>A on transcript NM_005269.3 (MANE Select); coding-DNA position 534, G replaced by A.
Protein change: p.Gln178=; no amino-acid change (glutamine 178 retained).
Molecular consequence: synonymous variant.
Genome position (GRCh38, 1-based): chr12:57,465,255, G>A. VCF-style: chr12-57465255-G-A. GRCh37 (hg19) VCF-style: chr12-57859038-G-A.
Other names: c.150G>A, p.Gln50= (NM_001160045.2); c.411G>A, p.Gln137= (NM_001167609.2).
Identifiers: ClinVar variation 1810605 (VCV001810605.1), dbSNP rs2540079189, ClinGen allele CA480255313.